The following is an entry in ClinVar:

NM_003573.2(LTBP4):c.133G>A (p.Ala45Thr)

Gene: LTBP4 (latent transforming growth factor beta binding protein 4; plus strand). Cytogenetic location: 19q13.2.
Variant type: single nucleotide variant.
Coding change: c.133G>A on transcript NM_003573.2; coding-DNA position 133, G replaced by A.
Protein change: p.Ala45Thr; replaces alanine 45 with threonine.
Molecular consequence: missense variant.
Genome position (GRCh38, 1-based): chr19:40,599,459, G>A. VCF-style: chr19-40599459-G-A. GRCh37 (hg19) VCF-style: chr19-41105365-G-A.
Other names: c.244G>A, p.Ala82Thr (NM_001042544.1); short protein forms A45T, A82T.
Identifiers: ClinVar variation 1896521 (VCV001896521.2), dbSNP rs765400259, ClinGen allele CA9447943.

ClinVar aggregate classification (germline): Uncertain significance (1 of 4 stars; one submission).

Allele frequency attached by ClinVar (database versions not stated): gnomAD exomes 0.00001; TOPMed below 0.00001; ExAC 0.00002.
gnomAD v4.1: 5 of 1,613,904 alleles (0.00031%); highest among the groups gnomAD compares: Admixed American, 0.0067%; no homozygotes.

Submission:

Labcorp Genetics (formerly Invitae), Labcorp
Classification: Uncertain significance. Last evaluated: 2022-02-10. Review status: criteria provided, single submitter. Criteria: Invitae Variant Classification Sherloc (09022015). Collection method: clinical testing. Allele origin: germline.
Comment: This sequence change replaces alanine, which is neutral and non-polar, with threonine, which is neutral and polar, at codon 45 of the LTBP4 protein (p.Ala45Thr). This variant is present in population databases (rs765400259, gnomAD 0.009%). This variant has not been reported in the literature in individuals affected with LTBP4-related conditions. Experimental studies and prediction algorithms are not available or were not evaluated, and the functional significance of this variant is currently unknown. In summary, the available evidence is currently insufficient to determine the role of this variant in disease. Therefore, it has been classified as a Variant of Uncertain Significance.